The following is an entry in ClinVar:

ClinVar aggregate classification (germline): Uncertain significance. Review status: criteria provided, multiple submitters, no conflicts (2 of 4 stars). 3 submissions from 3 submitters: Uncertain significance (3). Last evaluated 2023-01-17.

Conditions:
Inborn genetic diseases. Identifiers: MedGen C0950123, MeSH D030342.

Allele frequency attached by ClinVar (database versions not stated): gnomAD 0.00001; gnomAD exomes 0.00001 and 0.00004; TOPMed 0.00001; ExAC 0.00002.
gnomAD v4.1: 60 of 1,613,954 alleles (0.0037%); highest among the groups gnomAD compares: Non-Finnish European, 0.0048%; no homozygotes.

Submissions (3):

Blueprint Genetics
Classification: Uncertain significance. Last evaluated: 2023-01-17. Review status: criteria provided, single submitter. Criteria: ACMG Guidelines, 2015. Collection method: clinical testing. Allele origin: germline.

Ambry Genetics
Classification: Uncertain significance for Inborn genetic diseases. Last evaluated: 2022-07-20. Review status: criteria provided, single submitter. Criteria: Ambry Variant Classification Scheme 2023. Collection method: clinical testing. Allele origin: germline.

Labcorp Genetics (formerly Invitae), Labcorp
Classification: Uncertain significance. Last evaluated: 2021-08-14. Review status: criteria provided, single submitter. Criteria: Invitae Variant Classification Sherloc (09022015). Collection method: clinical testing. Allele origin: germline.
Comment: This sequence change replaces threonine with isoleucine at codon 59 of the FAT4 protein (p.Thr59Ile). The threonine residue is highly conserved and there is a moderate physicochemical difference between threonine and isoleucine. This variant is present in population databases (rs757284999, ExAC 0.01%). This variant has not been reported in the literature in individuals affected with FAT4-related conditions. Advanced modeling of protein sequence and biophysical properties (such as structural, functional, and spatial information, amino acid conservation, physicochemical variation, residue mobility, and thermodynamic stability) performed at Invitae indicates that this missense variant is not expected to disrupt FAT4 protein function. In summary, the available evidence is currently insufficient to determine the role of this variant in disease. Therefore, it has been classified as a Variant of Uncertain Significance.

NM_001291303.3(FAT4):c.176C>T (p.Thr59Ile)

Gene: FAT4 (FAT atypical cadherin 4; plus strand). Cytogenetic location: 4q28.1.
Variant type: single nucleotide variant.
Coding change: c.176C>T on transcript NM_001291303.3 (MANE Select); coding-DNA position 176, C replaced by T.
Protein change: p.Thr59Ile; replaces threonine 59 with isoleucine.
Molecular consequence: missense variant.
Genome position (GRCh38, 1-based): chr4:125,316,587, C>T. VCF-style: chr4-125316587-C-T. GRCh37 (hg19) VCF-style: chr4-126237742-C-T.
Other names: c.176C>T, p.Thr59Ile (NM_001291285.3, NM_024582.6); c.176C>T (NM_024582.4); short protein forms T59I.
Identifiers: ClinVar variation 1421172 (VCV001421172.7), dbSNP rs757284999, ClinGen allele CA3071758.